The following is an entry in ClinVar:

NM_032608.7(MYO18B):c.4564T>G (p.Phe1522Val)

Genes: MYO18B (myosin XVIIIB; plus strand), MYO18B-AS1 (MYO18B antisense RNA 1; minus strand). Cytogenetic location: 22q12.1.
Variant type: single nucleotide variant.
Coding change: c.4564T>G on transcript NM_032608.7 (MANE Select); coding-DNA position 4564, T replaced by G.
Protein change: p.Phe1522Val; replaces phenylalanine 1522 with valine.
Molecular consequence: missense variant.
Genome position (GRCh38, 1-based): chr22:25,895,176, T>G. VCF-style: chr22-25895176-T-G. GRCh37 (hg19) VCF-style: chr22-26291143-T-G.
Other names: c.4567T>G, p.Phe1523Val (NM_001318245.2); short protein forms F1523V, F1522V.
Identifiers: ClinVar variation 1924428 (VCV001924428.5), dbSNP rs774260381, ClinGen allele CA411010085.

ClinVar aggregate classification (germline): Uncertain significance (1 of 4 stars; one submission).

Submission:

Labcorp Genetics (formerly Invitae), Labcorp
Classification: Uncertain significance. Last evaluated: 2022-11-22. Review status: criteria provided, single submitter. Criteria: Invitae Variant Classification Sherloc (09022015). Collection method: clinical testing. Allele origin: germline.
Comment: This variant has not been reported in the literature in individuals affected with MYO18B-related conditions. This variant is not present in population databases (gnomAD no frequency). This sequence change replaces phenylalanine, which is neutral and non-polar, with valine, which is neutral and non-polar, at codon 1522 of the MYO18B protein (p.Phe1522Val). Algorithms developed to predict the effect of missense changes on protein structure and function are either unavailable or do not agree on the potential impact of this missense change (SIFT: "Not Available"; PolyPhen-2: "Possibly Damaging"; Align-GVGD: "Not Available"). In summary, the available evidence is currently insufficient to determine the role of this variant in disease. Therefore, it has been classified as a Variant of Uncertain Significance.